The following is an entry in ClinVar:

NM_018112.3:c.454+279_543-5092delinsATTAAGGTATA

Gene: TMEM38B (transmembrane protein 38B; plus strand).
Variant type: Indel.
Other names: p.?; c.454+279_543-5092delinsATTAAGGTATA (NM_018112.3).
Identifiers: ClinVar variation 3381053 (VCV003381053.1).

ClinVar aggregate classification (germline): Pathogenic (1 of 4 stars; one submission).

Submission:

Mayo Clinic Laboratories, Mayo Clinic
Classification: Pathogenic. Last evaluated: 2024-07-19. Review status: criteria provided, single submitter. Criteria: ACMG Guidelines, 2015. Collection method: clinical testing. Allele origin: germline. Observed: 1 variant allele.
Comment: PM2, PM3, PS3, PVS1

Literature cited by the submitters: PubMed 23054245; PubMed 23316006; PubMed 27441836; PubMed 28116328.